The following is an entry in ClinVar:

NM_014946.4(SPAST):c.21A>T (p.Arg7=)

Gene: SPAST (spastin; plus strand). Cytogenetic location: 2p22.3.
Variant type: single nucleotide variant.
Coding change: c.21A>T on transcript NM_014946.4 (MANE Select); coding-DNA position 21, A replaced by T.
Protein change: p.Arg7=; no amino-acid change (arginine 7 retained).
Molecular consequence: synonymous variant.
Genome position (GRCh38, 1-based): chr2:32,063,852, A>T. VCF-style: chr2-32063852-A-T. GRCh37 (hg19) VCF-style: chr2-32288921-A-T.
Other names: c.21A>T, p.Arg7= (NM_001363823.2, NM_001363875.2, NM_001377959.1 and 1 more transcripts).
Identifiers: ClinVar variation 4823196 (VCV004823196.4).
Genomic context (GRCh38, chr2:32,063,852, plus strand): 5'-GGGAGGCGGGTTATGGCGGCGGCGGCAGTGAGAGCTGTGAATGAATTCTCCGGGTGGACG[A>T]GGGAAGAAGAAAGGCTCCGGCGGCGCCAGCAACCCGGTGCCTCCCAGGCCTCCGCCCCCT-3'
Protein context (NP_055761.2, residues 1-17): MNSPGG[Arg7=]GKKKGSGGAS

ClinVar aggregate classification (germline): Likely benign (1 of 4 stars; one submission).

gnomAD v4.1: 76 of 1,582,210 alleles (0.0048%); highest among the groups gnomAD compares: Non-Finnish European, 0.0064%; no homozygotes.

Submission:

CeGaT Center for Human Genetics Tuebingen
Classification: Likely benign. Last evaluated: 2026-02-01. Review status: criteria provided, single submitter. Criteria: CeGaT Center For Human Genetics Tuebingen Variant Classification Criteria Version 2. Collection method: clinical testing. Allele origin: germline. Affected: yes. Observed: 1 variant allele.
Comment: SPAST: BP4, BP7